The following is an entry in ClinVar:

NM_001903.5(CTNNA1):c.1571del (p.Asn524fs)

Gene: CTNNA1 (catenin alpha 1; plus strand). Cytogenetic location: 5q31.2.
Variant type: Deletion.
Coding change: c.1571del on transcript NM_001903.5 (MANE Select); coding-DNA position 1571, one base deleted (A; older notation c.1571delA).
Protein change: p.Asn524fs; shifts the reading frame from asparagine 524.
Molecular consequence: frameshift variant.
Genome position (GRCh38, 1-based): chr5:138,924,534, A deleted; the last of 2 consecutive A bases (chr5:138,924,533-138,924,534); deleting either gives the same sequence. VCF-style (leftmost placement, unchanged base first): chr5-138924532-GA-G. GRCh37 (hg19) VCF-style: chr5-138260221-GA-G.
Other names: c.1571del, p.Asn524fs (NM_001290307.3, NM_001323982.2, NM_001323983.1 and 2 more transcripts); c.1262del, p.Asn421fs (NM_001290309.3); c.1202del, p.Asn401fs (NM_001290310.3); c.461del, p.Asn154fs (NM_001290312.1, NM_001323987.1, NM_001323988.1 and 17 more transcripts); c.1478del, p.Asn493fs (NM_001323986.2); c.122del, p.Asn41fs (NM_001324006.1, NM_001324007.1, NM_001324008.1 and 2 more transcripts); c.368del, p.Asn123fs (NM_001324011.1); c.218del, p.Asn73fs (NM_001324012.1, NM_001324013.1); short protein forms N41fs, N421fs, N493fs, N123fs, N73fs, N154fs, N401fs, N524fs.
Identifiers: ClinVar variation 2018557 (VCV002018557.5), dbSNP rs1763595481, ClinGen allele CA1082103004.

ClinVar aggregate classification (germline): Pathogenic/Likely pathogenic. Review status: criteria provided, multiple submitters, no conflicts (2 of 4 stars). 2 submissions from 2 submitters: Pathogenic (1); Likely pathogenic (1). Last evaluated 2023-12-20.

Conditions:
Patterned macular dystrophy 2. Identifiers: Orphanet 99001, MedGen C1837029, MONDO:0012162, OMIM 608970.

Submissions (2):

Baylor Genetics
Classification: Likely pathogenic for Patterned macular dystrophy 2. Last evaluated: 2023-12-20. Review status: criteria provided, single submitter. Criteria: ACMG Guidelines, 2015. Collection method: clinical testing. Allele origin: unknown.

Labcorp Genetics (formerly Invitae), Labcorp
Classification: Pathogenic. Last evaluated: 2023-05-15. Review status: criteria provided, single submitter. Criteria: Invitae Variant Classification Sherloc (09022015). Collection method: clinical testing. Allele origin: germline.
Comment: ClinVar contains an entry for this variant (Variation ID: 2018557). For these reasons, this variant has been classified as Pathogenic. This variant is not present in population databases (gnomAD no frequency). This variant has not been reported in the literature in individuals affected with CTNNA1-related conditions. This sequence change creates a premature translational stop signal (p.Asn524Thrfs*32) in the CTNNA1 gene. It is expected to result in an absent or disrupted protein product. Loss-of-function variants in CTNNA1 are known to be pathogenic (PMID: 32051609, 34425242).

Literature cited by the submitters: PubMed 32051609 (cited by Labcorp Genetics (formerly Invitae), Labcorp); PubMed 34425242 (cited by Labcorp Genetics (formerly Invitae), Labcorp).